The following is an entry in ClinVar:

ClinVar aggregate classification (germline): Benign. Review status: criteria provided, multiple submitters, no conflicts (2 of 4 stars). 2 submissions from 2 submitters: Benign (2). Last evaluated 2018-06-19.

Allele frequency attached by ClinVar (database versions not stated): 1000 Genomes Project 0.08307; 1000 Genomes Project 30x 0.08495; gnomAD exomes 0.09642; TOPMed 0.10074; gnomAD 0.10596 and 0.10918.
gnomAD v4.1: 53,365 of 537,370 alleles (9.9%); highest among the groups gnomAD compares: Middle Eastern, 12%; 3,021 homozygotes.

Submissions (2):

GeneDx
Classification: Benign. Last evaluated: 2018-06-19. Review status: criteria provided, single submitter. Criteria: GeneDx Variant Classification (06012015). Collection method: clinical testing. Allele origin: germline. Affected: yes.
Comment: This variant is considered likely benign or benign based on one or more of the following criteria: it is a conservative change, it occurs at a poorly conserved position in the protein, it is predicted to be benign by multiple in silico algorithms, and/or has population frequency not consistent with disease.

Breakthrough Genomics
Classification: Benign. Review status: criteria provided, single submitter. Criteria: ACMG Guidelines, 2015. Collection method: not provided. Allele origin: germline. Inheritance: Autosomal recessive inheritance. Affected: yes.

NM_020549.5(CHAT):c.287-718G>A

Gene: CHAT (choline O-acetyltransferase; plus strand). Cytogenetic location: 10q11.23.
Variant type: single nucleotide variant.
Coding change: c.287-718G>A on transcript NM_020549.5 (MANE Select); 718 bases into the intron before coding-DNA position 287, G replaced by A.
Molecular consequence: intron variant.
Genome position (GRCh38, 1-based): chr10:49,615,784, G>A. VCF-style: chr10-49615784-G-A. GRCh37 (hg19) VCF-style: chr10-50823830-G-A.
Other names: c.-68-718G>A (NM_020984.4, NM_020985.4, NM_020986.4 and 1 more transcripts); c.-138-239G>A (NM_001142934.2); c.-30-239G>A (NM_001142933.2).
Identifiers: ClinVar variation 681268 (VCV000681268.2), dbSNP rs8178986, ClinGen allele CA206623516.